The following is an entry in ClinVar:

ClinVar aggregate classification (germline): Benign/Likely benign. Review status: criteria provided, multiple submitters, no conflicts (2 of 4 stars). 2 submissions from 2 submitters: Benign (1); Likely benign (1). Last evaluated 2024-03-05.

Allele frequency attached by ClinVar (database versions not stated): gnomAD 0.00007; ExAC 0.00036; 1000 Genomes Project 30x 0.00078; 1000 Genomes Project 0.00080.
gnomAD v4.1: 241 of 1,613,500 alleles (0.015%); highest among the groups gnomAD compares: South Asian, 0.23%; no homozygotes.

Submissions (2):

Blueprint Genetics
Classification: Benign. Last evaluated: 2024-03-05. Review status: criteria provided, single submitter. Criteria: ACMG Guidelines, 2015. Collection method: clinical testing. Allele origin: germline.

CeGaT Center for Human Genetics Tuebingen
Classification: Likely benign. Last evaluated: 2022-12-01. Review status: criteria provided, single submitter. Criteria: CeGaT Center For Human Genetics Tuebingen Variant Classification Criteria Version 2. Collection method: clinical testing. Allele origin: germline. Affected: yes. Observed: 1 variant allele.
Comment: RP1L1: BP4, BP7

NM_178857.6(RP1L1):c.2397G>A (p.Thr799=)

Gene: RP1L1 (RP1 like 1). Cytogenetic location: 8p23.1.
Variant type: single nucleotide variant.
Coding change: c.2397G>A on transcript NM_178857.6 (MANE Select); coding-DNA position 2397, G replaced by A.
Protein change: p.Thr799=; no amino-acid change (threonine 799 retained).
Molecular consequence: synonymous variant.
Genome position (GRCh38, 1-based): chr8:10,611,701, C>T on the plus strand (G>A on the coding strand, the complement: RP1L1 is on the minus strand). VCF-style: chr8-10611701-C-T. GRCh37 (hg19) VCF-style: chr8-10469211-C-T.
Identifiers: ClinVar variation 2658392 (VCV002658392.25), dbSNP rs539931552, ClinGen allele CA4624843.